The following is an entry in ClinVar:

ClinVar aggregate classification (germline): Benign. Review status: criteria provided, multiple submitters, no conflicts (2 of 4 stars). 5 submissions from 5 submitters: Benign (4). 1 of the submissions does not count toward it. Last evaluated 2026-02-02.

Conditions:
GFM2-related disorder. Also called: GFM2-related condition.

Allele frequency attached by ClinVar (database versions not stated): 1000 Genomes Project 30x 0.01265; gnomAD 0.01471 and 0.01444; 1000 Genomes Project 0.01258; ESP Exome Variant Server 0.01530; TOPMed 0.01549.
gnomAD v4.1: 28,237 of 1,612,260 alleles (1.8%); highest among the groups gnomAD compares: Admixed American, 2.6%; 273 homozygotes.

Submissions (5):

Labcorp Genetics (formerly Invitae), Labcorp
Classification: Benign. Last evaluated: 2026-02-02. Review status: criteria provided, single submitter. Criteria: Invitae Variant Classification Sherloc (09022015). Collection method: clinical testing. Allele origin: germline.

Mayo Clinic Laboratories, Mayo Clinic
Classification: Benign. Last evaluated: 2023-07-25. Review status: criteria provided, single submitter. Criteria: ACMG Guidelines, 2015. Collection method: clinical testing. Allele origin: germline. Observed: 2 variant alleles.
Comment: BA1, PP3

GeneDx
Classification: Benign. Last evaluated: 2013-12-09. Review status: criteria provided, single submitter. Criteria: GeneDx Variant Classification (06012015). Collection method: clinical testing. Allele origin: germline. Affected: yes.
Comment: This variant is considered likely benign or benign based on one or more of the following criteria: it is a conservative change, it occurs at a poorly conserved position in the protein, it is predicted to be benign by multiple in silico algorithms, and/or has population frequency not consistent with disease.

Breakthrough Genomics
Classification: Benign. Review status: criteria provided, single submitter. Criteria: ACMG Guidelines, 2015. Collection method: not provided. Allele origin: germline. Inheritance: Autosomal recessive inheritance. Affected: yes.

PreventionGenetics, part of Exact Sciences
Classification: Benign for GFM2-related condition. Last evaluated: 2019-07-23. Review status: no assertion criteria provided. Collection method: clinical testing. Allele origin: germline. Not counted in ClinVar's aggregate classification.
Comment: This variant is classified as benign based on ACMG/AMP sequence variant interpretation guidelines (Richards et al. 2015 PMID: 25741868, with internal and published modifications).

NM_032380.5(GFM2):c.2230C>G (p.Arg744Gly)

Gene: GFM2 (GTP dependent ribosome recycling factor mitochondrial GFM2; minus strand). Cytogenetic location: 5q13.3.
Variant type: single nucleotide variant.
Coding change: c.2230C>G on transcript NM_032380.5 (MANE Select); coding-DNA position 2230, C replaced by G.
Protein change: p.Arg744Gly; replaces arginine 744 with glycine.
Molecular consequence: missense variant. On other transcripts: non-coding transcript variant (1).
Genome position (GRCh38, 1-based): chr5:74,721,765, G>C on the plus strand (C>G on the coding strand, the complement: GFM2 is on the minus strand). VCF-style: chr5-74721765-G-C. GRCh37 (hg19) VCF-style: chr5-74017590-G-C.
Other names: p.R744G:CGA>GGA; p.Arg744Gly; c.2326C>G, p.Arg776Gly (NM_001281302.2); c.2089C>G, p.Arg697Gly (NM_170691.3); short protein forms R744G, R697G, R776G.
Identifiers: ClinVar variation 137479 (VCV000137479.14), dbSNP rs35080306, ClinGen allele CA291085.